The following is an entry in ClinVar:

NM_004958.4(MTOR):c.6374A>G (p.Tyr2125Cys)

Gene: MTOR (mechanistic target of rapamycin kinase; minus strand). Cytogenetic location: 1p36.22.
Variant type: single nucleotide variant.
Coding change: c.6374A>G on transcript NM_004958.4 (MANE Select); coding-DNA position 6374, A replaced by G.
Protein change: p.Tyr2125Cys; replaces tyrosine 2125 with cysteine.
Molecular consequence: missense variant.
Genome position (GRCh38, 1-based): chr1:11,126,774, T>C on the plus strand (A>G on the coding strand, the complement: MTOR is on the minus strand). VCF-style: chr1-11126774-T-C. GRCh37 (hg19) VCF-style: chr1-11186831-T-C.
Other names: c.6374A>G, p.Tyr2125Cys (NM_001386500.1); c.5126A>G, p.Tyr1709Cys (NM_001386501.1); short protein forms Y1709C, Y2125C.
Identifiers: ClinVar variation 3768465 (VCV003768465.1).
Genomic context (GRCh38, chr1:11,126,774, plus strand): 5'-TCATATGTTCCTGGCACAGCCAATTCAAGGTCCCGGCACATCAGAAGTTTTGGGGAAACA[T>C]ATTGCAGCTCTAAGGATGTGAGCTGTAAATAATTACCAAAGGATTTAGTGTTCTGCCTCC-3'
Protein context (NP_004949.1, residues 2115-2135): LPQLTSLELQ[Tyr2125Cys]VSPKLLMCRD

ClinVar aggregate classification (germline): Uncertain significance (1 of 4 stars; one submission).

Submission:

Women's Health and Genetics/Laboratory Corporation of America, LabCorp
Classification: Uncertain significance. Last evaluated: 2024-12-24. Review status: criteria provided, single submitter. Criteria: LabCorp Variant Classification Summary - May 2015. Collection method: clinical testing. Allele origin: germline.
Comment: Variant summary: MTOR c.6374A>G (p.Tyr2125Cys) results in a non-conservative amino acid change in the encoded protein sequence. Five of five in-silico tools predict a damaging effect of the variant on protein function. The variant was absent in 251398 control chromosomes. The available data on variant occurrences in the general population are insufficient to allow any conclusion about variant significance. To our knowledge, no occurrence of c.6374A>G in individuals affected with Smith-Kingsmore Syndrome and no experimental evidence demonstrating its impact on protein function have been reported. No submitters have cited clinical-significance assessments for this variant to ClinVar. Based on the evidence outlined above, the variant was classified as uncertain significance.